The following is an entry in ClinVar:

ClinVar aggregate classification (germline): Uncertain significance (1 of 4 stars; one submission).

Submission:

Labcorp Genetics (formerly Invitae), Labcorp
Classification: Uncertain significance. Last evaluated: 2022-03-19. Review status: criteria provided, single submitter. Criteria: Invitae Variant Classification Sherloc (09022015). Collection method: clinical testing. Allele origin: germline.
Comment: In summary, the available evidence is currently insufficient to determine the role of this variant in disease. Therefore, it has been classified as a Variant of Uncertain Significance. Experimental studies and prediction algorithms are not available or were not evaluated, and the functional significance of this variant is currently unknown. This variant has not been reported in the literature in individuals affected with COL18A1-related conditions. This variant is not present in population databases (gnomAD no frequency). This sequence change replaces aspartic acid, which is acidic and polar, with alanine, which is neutral and non-polar, at codon 1158 of the COL18A1 protein (p.Asp1158Ala).

NM_001379500.1(COL18A1):c.3482A>C (p.Asp1161Ala)

Genes: COL18A1 (collagen type XVIII alpha 1 chain; plus strand), SLC19A1 (solute carrier family 19 member 1; minus strand). Cytogenetic location: 21q22.3.
Variant type: single nucleotide variant.
Coding change: c.3482A>C on transcript NM_001379500.1 (MANE Select); coding-DNA position 3482, A replaced by C.
Protein change: p.Asp1161Ala; replaces aspartic acid 1161 with alanine.
Molecular consequence: missense variant.
Genome position (GRCh38, 1-based): chr21:45,509,588, A>C. VCF-style: chr21-45509588-A-C. GRCh37 (hg19) VCF-style: chr21-46929502-A-C.
Other names: c.4013A>C, p.Asp1338Ala (NM_030582.4); c.4718A>C, p.Asp1573Ala (NM_130444.3); short protein forms D1573A, D1338A, D1161A.
Identifiers: ClinVar variation 1430635 (VCV001430635.6), dbSNP rs2146121666, ClinGen allele CA410501244.